The following is an entry in ClinVar:

ClinVar aggregate classification (germline): Uncertain significance. Review status: criteria provided, single submitter (1 of 4 stars). 2 submissions from 2 submitters: Uncertain significance (1). 1 of the submissions does not count toward it. Last evaluated 2025-06-10.

Conditions:
EHHADH-related disorder. Also called: EHHADH-related condition.

Allele frequency attached by ClinVar (database versions not stated): ExAC 0.00003.
gnomAD v4.1: 9 of 1,614,008 alleles (0.00056%); highest among the groups gnomAD compares: East Asian, 0.016%; no homozygotes.

Submissions (2):

Ambry Genetics
Classification: Uncertain significance. Last evaluated: 2025-06-10. Review status: criteria provided, single submitter. Criteria: Ambry Variant Classification Scheme 2023. Collection method: clinical testing. Allele origin: germline.

PreventionGenetics, part of Exact Sciences
Classification: Likely benign for EHHADH-related condition. Last evaluated: 2023-08-01. Review status: no assertion criteria provided. Collection method: clinical testing. Allele origin: germline. Not counted in ClinVar's aggregate classification.
Comment: This variant is classified as likely benign based on ACMG/AMP sequence variant interpretation guidelines (Richards et al. 2015 PMID: 25741868, with internal and published modifications).

NM_001966.4(EHHADH):c.1051A>T (p.Met351Leu)

Gene: EHHADH (enoyl-CoA hydratase and 3-hydroxyacyl CoA dehydrogenase; minus strand). Cytogenetic location: 3q27.2.
Variant type: single nucleotide variant.
Coding change: c.1051A>T on transcript NM_001966.4 (MANE Select); coding-DNA position 1051, A replaced by T.
Protein change: p.Met351Leu; replaces methionine 351 with leucine.
Molecular consequence: missense variant.
Genome position (GRCh38, 1-based): chr3:185,193,347, T>A on the plus strand (A>T on the coding strand, the complement: EHHADH is on the minus strand). VCF-style: chr3-185193347-T-A. GRCh37 (hg19) VCF-style: chr3-184911135-T-A.
Other names: c.763A>T, p.Met255Leu (NM_001166415.2); short protein forms M255L, M351L.
Identifiers: ClinVar variation 3060158 (VCV003060158.3), dbSNP rs760838290, ClinGen allele CA2739050.